The following is an entry in ClinVar:

NM_001903.5(CTNNA1):c.2433+224C>G

Gene: CTNNA1 (catenin alpha 1; plus strand). Cytogenetic location: 5q31.2.
Variant type: single nucleotide variant.
Coding change: c.2433+224C>G on transcript NM_001903.5 (MANE Select); 224 bases into the intron after coding-DNA position 2433, C replaced by G.
Molecular consequence: intron variant. On other transcripts: missense variant (5).
Genome position (GRCh38, 1-based): chr5:138,932,936, C>G. VCF-style: chr5-138932936-C-G. GRCh37 (hg19) VCF-style: chr5-138268625-C-G.
Other names: c.2482C>G, p.Pro828Ala (NM_001290307.3); c.1372C>G, p.Pro458Ala (NM_001324002.1, NM_001324003.1, NM_001324004.1 and 1 more transcripts); c.2433+224C>G (NM_001323982.2, NM_001323984.2, NM_001323985.2 and 1 more transcripts); c.2340+224C>G (NM_001323986.2); c.2064+224C>G (NM_001290310.3); c.2124+224C>G (NM_001290309.3); c.1323+224C>G (NM_001323996.1, NM_001323993.1, NM_001323998.1 and 12 more transcripts); c.984+224C>G (NM_001324007.1, NM_001324009.1, NM_001324006.1 and 2 more transcripts); and 3 more; short protein forms P458A, P828A.
Identifiers: ClinVar variation 1048943 (VCV001048943.2), dbSNP rs763797541, ClinGen allele CA3432221.

ClinVar aggregate classification (germline): Likely benign. Review status: criteria provided, single submitter (1 of 4 stars). 2 submissions from 2 submitters: Likely benign (1). 1 of the submissions does not count toward it. Last evaluated 2024-09-30.

Allele frequency attached by ClinVar (database versions not stated): gnomAD 0.00001; TOPMed 0.00003; gnomAD exomes 0.00008.
gnomAD v4.1: 51 of 779,754 alleles (0.0065%); highest among the groups gnomAD compares: East Asian, 0.051%; no homozygotes.

Submissions (2):

Blueprint Genetics
Classification: Likely benign. Last evaluated: 2024-09-30. Review status: criteria provided, single submitter. Criteria: ACMG Guidelines, 2015. Collection method: clinical testing. Allele origin: germline.

Department of Pathology and Laboratory Medicine, Sinai Health System
Classification: Uncertain significance. Review status: no assertion criteria provided. Collection method: clinical testing. Allele origin: unknown. Affected: yes. Study: The Canadian Open Genetics Repository (COGR). Not counted in ClinVar's aggregate classification.
Comment: The CTNNA1 p.Pro458Ala variant was not identified in the literature nor was it identified in ClinVar. The variant was identified in dbSNP (ID: rs763797541) and in control databases in 19 of 229834 chromosomes at a frequency of 0.00008267 (Genome Aggregation Database March 6, 2019, v2.1.1). The variant was observed in the following populations: East Asian in 6 of 17714 chromosomes (freq: 0.000339), European (non-Finnish) in 11 of 106068 chromosomes (freq: 0.000104) and Latino in 2 of 34324 chromosomes (freq: 0.000058), but was not observed in the African, Ashkenazi Jewish, European (Finnish), Other, or South Asian populations. The p.Pro458 residue is not conserved in mammals and computational analyses (PolyPhen-2, SIFT, AlignGVGD, BLOSUM, MutationTaster) do not suggest a high likelihood of impact to the protein; however, this information is not predictive enough to rule out pathogenicity. The variant occurs outside of the splicing consensus sequence and in silico or computational prediction software programs (SpliceSiteFinder, MaxEntScan, NNSPLICE, GeneSplicer) do not predict a difference in splicing. In summary, based on the above information the clinical significance of this variant cannot be determined with certainty at this time. This variant is classified as a variant of uncertain significance.